The following is an entry in ClinVar:

ClinVar aggregate classification (germline): Uncertain significance (1 of 4 stars; one submission).

Allele frequency attached by ClinVar (database versions not stated): TOPMed 0.00007; ExAC 0.00013; ESP Exome Variant Server 0.00031.
gnomAD v4.1: 217 of 1,612,144 alleles (0.013%); highest among the groups gnomAD compares: Non-Finnish European, 0.017%; no homozygotes.

Submission:

Centre of Medical Genetics, University Hospital Muenster
Classification: Uncertain significance. Last evaluated: 2021-12-04. Review status: criteria provided, single submitter. Criteria: ACMG Guidelines, 2015. Collection method: clinical testing. Allele origin: unknown. Affected: yes. Observed: 1 variant allele, 1 heterozygote.
Comment: ACMG categories: PM1,PM2,BP4

NM_001256071.3(RNF213):c.2822G>T (p.Arg941Leu)

Gene: RNF213 (ring finger protein 213; plus strand). Cytogenetic location: 17q25.3.
Variant type: single nucleotide variant.
Coding change: c.2822G>T on transcript NM_001256071.3 (MANE Select); coding-DNA position 2822, G replaced by T.
Protein change: p.Arg941Leu; replaces arginine 941 with leucine.
Molecular consequence: missense variant.
Genome position (GRCh38, 1-based): chr17:80,317,198, G>T. VCF-style: chr17-80317198-G-T. GRCh37 (hg19) VCF-style: chr17-78290998-G-T.
Other names: c.2969G>T, p.Arg990Leu (NM_001410195.1, NM_020914.5); c.2822G>T, p.Arg941Leu (NM_020954.4); short protein forms R941L, R990L.
Identifiers: ClinVar variation 1708287 (VCV001708287.3), dbSNP rs139654482, ClinGen allele CA8820014.